The following is an entry in ClinVar:

NM_022168.4(IFIH1):c.367C>A (p.Pro123Thr)

Gene: IFIH1 (interferon induced with helicase C domain 1; minus strand). Cytogenetic location: 2q24.2.
Variant type: single nucleotide variant.
Coding change: c.367C>A on transcript NM_022168.4 (MANE Select); coding-DNA position 367, C replaced by A.
Protein change: p.Pro123Thr; replaces proline 123 with threonine.
Molecular consequence: missense variant.
Genome position (GRCh38, 1-based): chr2:162,317,941, G>T on the plus strand (C>A on the coding strand, the complement: IFIH1 is on the minus strand). VCF-style: chr2-162317941-G-T. GRCh37 (hg19) VCF-style: chr2-163174451-G-T.
Other names: short protein forms P123T.
Identifiers: ClinVar variation 2941486 (VCV002941486.3), dbSNP rs1683538119, ClinGen allele CA349013520.

ClinVar aggregate classification (germline): Uncertain significance (1 of 4 stars; one submission).

Conditions:
Aicardi-Goutieres syndrome 7 (AGS7). Identifiers: Orphanet 51, MedGen C3888244, MONDO:0014367, OMIM 615846.
Singleton-Merten syndrome 1 (SGMRT1). Also called: Widened medullary cavities of bone, aortic calcification, abnormal dentition, and muscular weakness; Syndrome of widened medullary cavities of the metacarpals and phalanges, aortic calcification and abnormal dentition. Identifiers: Orphanet 85191, MedGen C4225427, MONDO:0024535, OMIM 182250.

Submission:

Labcorp Genetics (formerly Invitae), Labcorp
Classification: Uncertain significance for Aicardi-Goutieres syndrome 7; Singleton-Merten syndrome 1. Last evaluated: 2022-11-11. Review status: criteria provided, single submitter. Criteria: Invitae Variant Classification Sherloc (09022015). Collection method: clinical testing. Allele origin: germline.
Comment: Advanced modeling of protein sequence and biophysical properties (such as structural, functional, and spatial information, amino acid conservation, physicochemical variation, residue mobility, and thermodynamic stability) has been performed at Invitae for this missense variant, however the output from this modeling did not meet the statistical confidence thresholds required to predict the impact of this variant on IFIH1 protein function. This variant has not been reported in the literature in individuals affected with IFIH1-related conditions. This variant is not present in population databases (gnomAD no frequency). This sequence change replaces proline, which is neutral and non-polar, with threonine, which is neutral and polar, at codon 123 of the IFIH1 protein (p.Pro123Thr). In summary, the available evidence is currently insufficient to determine the role of this variant in disease. Therefore, it has been classified as a Variant of Uncertain Significance.